The following is an entry in ClinVar:

NM_133433.4(NIPBL):c.2054A>G (p.Asp685Gly)

Gene: NIPBL (NIPBL cohesin loading factor; plus strand). Cytogenetic location: 5p13.2.
Variant type: single nucleotide variant.
Coding change: c.2054A>G on transcript NM_133433.4 (MANE Select); coding-DNA position 2054, A replaced by G.
Protein change: p.Asp685Gly; replaces aspartic acid 685 with glycine.
Molecular consequence: missense variant.
Genome position (GRCh38, 1-based): chr5:36,985,234, A>G. VCF-style: chr5-36985234-A-G. GRCh37 (hg19) VCF-style: chr5-36985336-A-G.
Other names: c.2054A>G, p.Asp685Gly (NM_015384.5); short protein forms D685G.
Identifiers: ClinVar variation 1312014 (VCV001312014.3), dbSNP rs1728431684, ClinGen allele CA359497680.

ClinVar aggregate classification (germline): Uncertain significance (1 of 4 stars; one submission).

Submission:

GeneDx
Classification: Uncertain significance. Last evaluated: 2023-06-07. Review status: criteria provided, single submitter. Criteria: GeneDx Variant Classification Process June 2021. Collection method: clinical testing. Allele origin: germline. Affected: yes.
Comment: Has not been previously published as pathogenic or benign to our knowledge; Not observed at significant frequency in large population cohorts (gnomAD); In silico analysis supports that this missense variant does not alter protein structure/function